The following is an entry in ClinVar:

NM_013266.4(CTNNA3):c.1639G>A (p.Val547Ile)

Gene: CTNNA3 (catenin alpha 3; minus strand). Cytogenetic location: 10q21.3.
Variant type: single nucleotide variant.
Coding change: c.1639G>A on transcript NM_013266.4 (MANE Select); coding-DNA position 1639, G replaced by A.
Protein change: p.Val547Ile; replaces valine 547 with isoleucine.
Molecular consequence: missense variant.
Genome position (GRCh38, 1-based): chr10:66,379,245, C>T on the plus strand (G>A on the coding strand, the complement: CTNNA3 is on the minus strand). VCF-style: chr10-66379245-C-T. GRCh37 (hg19) VCF-style: chr10-68139003-C-T.
Other names: c.1639G>A, p.Val547Ile (NM_001127384.3); short protein forms V547I.
Identifiers: ClinVar variation 3498290 (VCV003498290.2).

ClinVar aggregate classification (germline): Uncertain significance. Review status: criteria provided, multiple submitters, no conflicts (2 of 4 stars). 2 submissions from 2 submitters: Uncertain significance (2). Last evaluated 2025-10-27.

Conditions:
Arrhythmogenic right ventricular dysplasia 13. Also called: ARRHYTHMOGENIC RIGHT VENTRICULAR CARDIOMYOPATHY 13; Arrhythmogenic right ventricular dysplasia, familial, 13. Identifiers: MedGen C3810138, MONDO:0000908, OMIM 615616.

Submissions (2):

Labcorp Genetics (formerly Invitae), Labcorp
Classification: Uncertain significance for Arrhythmogenic right ventricular dysplasia 13. Last evaluated: 2025-10-27. Review status: criteria provided, single submitter. Criteria: Invitae Variant Classification Sherloc (09022015). Collection method: clinical testing. Allele origin: germline.
Comment: This sequence change replaces valine, which is neutral and non-polar, with isoleucine, which is neutral and non-polar, at codon 547 of the CTNNA3 protein (p.Val547Ile). This variant is present in population databases (rs754164795, gnomAD 0.002%). This variant has not been reported in the literature in individuals affected with CTNNA3-related conditions. ClinVar contains an entry for this variant (Variation ID: 3498290). Invitae Evidence Modeling of protein sequence and biophysical properties (such as structural, functional, and spatial information, amino acid conservation, physicochemical variation, residue mobility, and thermodynamic stability) indicates that this missense variant is not expected to disrupt CTNNA3 protein function with a negative predictive value of 80%. In summary, the available evidence is currently insufficient to determine the role of this variant in disease. Therefore, it has been classified as a Variant of Uncertain Significance.

Ambry Genetics
Classification: Uncertain significance. Last evaluated: 2024-07-06. Review status: criteria provided, single submitter. Criteria: Ambry Variant Classification Scheme 2023. Collection method: clinical testing. Allele origin: germline.
Comment: The p.V547I variant (also known as c.1639G>A), located in coding exon 11 of the CTNNA3 gene, results from a G to A substitution at nucleotide position 1639. The valine at codon 547 is replaced by isoleucine, an amino acid with highly similar properties. This amino acid position is conserved. In addition, this alteration is predicted to be tolerated by in silico analysis. Based on the available evidence, the clinical significance of this variant remains unclear.